The following is an entry in ClinVar:

NM_016653.3(MAP3K20):c.718C>T (p.His240Tyr)

Genes: MAP3K20 (mitogen-activated protein kinase kinase kinase 20; plus strand), MAP3K20-AS1 (MAP3K20 antisense RNA 1; minus strand). Cytogenetic location: 2q31.1.
Variant type: single nucleotide variant.
Coding change: c.718C>T on transcript NM_016653.3 (MANE Select); coding-DNA position 718, C replaced by T.
Protein change: p.His240Tyr; replaces histidine 240 with tyrosine.
Molecular consequence: missense variant.
Genome position (GRCh38, 1-based): chr2:173,203,844, C>T. VCF-style: chr2-173203844-C-T. GRCh37 (hg19) VCF-style: chr2-174068572-C-T.
Other names: c.718C>T, p.His240Tyr (NM_133646.3); short protein forms H240Y.
Identifiers: ClinVar variation 1926200 (VCV001926200.2), dbSNP rs762009229, ClinGen allele CA1970493.

ClinVar aggregate classification (germline): Uncertain significance (1 of 4 stars; one submission).

Allele frequency attached by ClinVar (database versions not stated): ExAC 0.00001; gnomAD exomes 0.00001; gnomAD 0.00003; TOPMed 0.00003.
gnomAD v4.1: 13 of 1,613,798 alleles (0.00081%); highest among the groups gnomAD compares: African/African-American, 0.012%; no homozygotes.

Submission:

Labcorp Genetics (formerly Invitae), Labcorp
Classification: Uncertain significance. Last evaluated: 2022-10-17. Review status: criteria provided, single submitter. Criteria: Invitae Variant Classification Sherloc (09022015). Collection method: clinical testing. Allele origin: germline.
Comment: This sequence change replaces histidine, which is basic and polar, with tyrosine, which is neutral and polar, at codon 240 of the MAP3K20 protein (p.His240Tyr). This variant is present in population databases (rs762009229, gnomAD 0.01%). This variant has not been reported in the literature in individuals affected with MAP3K20-related conditions. Advanced modeling of protein sequence and biophysical properties (such as structural, functional, and spatial information, amino acid conservation, physicochemical variation, residue mobility, and thermodynamic stability) performed at Invitae indicates that this missense variant is not expected to disrupt MAP3K20 protein function. In summary, the available evidence is currently insufficient to determine the role of this variant in disease. Therefore, it has been classified as a Variant of Uncertain Significance.